The following is an entry in ClinVar:

NM_001958.5(EEF1A2):c.1365G>A (p.Ala455=)

Gene: EEF1A2 (eukaryotic translation elongation factor 1 alpha 2; minus strand). Cytogenetic location: 20q13.33.
Variant type: single nucleotide variant.
Coding change: c.1365G>A on transcript NM_001958.5 (MANE Select); coding-DNA position 1365, G replaced by A.
Protein change: p.Ala455=; no amino-acid change (alanine 455 retained).
Molecular consequence: synonymous variant.
Genome position (GRCh38, 1-based): chr20:63,488,325, C>T on the plus strand (G>A on the coding strand, the complement: EEF1A2 is on the minus strand). VCF-style: chr20-63488325-C-T. GRCh37 (hg19) VCF-style: chr20-62119678-C-T.
Identifiers: ClinVar variation 1553351 (VCV001553351.9), dbSNP rs1600901507, ClinGen allele CA511204014.

ClinVar aggregate classification (germline): Likely benign. Review status: criteria provided, multiple submitters, no conflicts (2 of 4 stars). 2 submissions from 2 submitters: Likely benign (2). Last evaluated 2026-07-01.

Conditions:
Developmental and epileptic encephalopathy, 33 (DEE33). Also called: Epileptic encephalopathy, early infantile, 33. Identifiers: Orphanet 442835, MedGen C4225337, MONDO:0014625, OMIM 616409.

Allele frequency attached by ClinVar (database versions not stated): gnomAD exomes below 0.00001.
gnomAD v4.1: 6 of 1,446,668 alleles (0.00041%); highest among the groups gnomAD compares: South Asian, 0.0013%; no homozygotes.

Submissions (2):

CeGaT Center for Human Genetics Tuebingen
Classification: Likely benign. Last evaluated: 2026-07-01. Review status: criteria provided, single submitter. Criteria: CeGaT Center For Human Genetics Tuebingen Variant Classification Criteria Version 2. Collection method: clinical testing. Allele origin: germline. Affected: yes. Observed: 1 variant allele.
Comment: EEF1A2: BP4, BP7

Labcorp Genetics (formerly Invitae), Labcorp
Classification: Likely benign for Developmental and epileptic encephalopathy, 33. Last evaluated: 2024-01-15. Review status: criteria provided, single submitter. Criteria: Invitae Variant Classification Sherloc (09022015). Collection method: clinical testing. Allele origin: germline.